The following is an entry in ClinVar:

NM_001267550.2(TTN):c.101993T>C (p.Met33998Thr)

Genes: TTN (titin; minus strand), TTN-AS1 (TTN antisense RNA 1; plus strand). Cytogenetic location: 2q31.2.
Variant type: single nucleotide variant.
Coding change: c.101993T>C on transcript NM_001267550.2 (MANE Select); coding-DNA position 101993, T replaced by C.
Protein change: p.Met33998Thr; replaces methionine 33998 with threonine.
Molecular consequence: missense variant.
Genome position (GRCh38, 1-based): chr2:178,534,622, A>G on the plus strand (T>C on the coding strand, the complement: TTN is on the minus strand). VCF-style: chr2-178534622-A-G. GRCh37 (hg19) VCF-style: chr2-179399349-A-G.
Other names: c.97070T>C, p.Met32357Thr (NM_001256850.1); c.74798T>C, p.Met24933Thr (NM_003319.4); c.94289T>C, p.Met31430Thr (NM_133378.4); c.75173T>C, p.Met25058Thr (NM_133432.3); c.75374T>C, p.Met25125Thr (NM_133437.4); short protein forms M33998T, M24933T, M25058T, M25125T, M32357T, M31430T.
Identifiers: ClinVar variation 582575 (VCV000582575.7), dbSNP rs1559039438, ClinGen allele CA349418618.

ClinVar aggregate classification (germline): Uncertain significance (1 of 4 stars; one submission).

Conditions:
Autosomal recessive limb-girdle muscular dystrophy type 2J (LGMDR10). Also called: Limb-girdle muscular dystrophy, type 2J; MUSCULAR DYSTROPHY, LIMB-GIRDLE, AUTOSOMAL RECESSIVE 10. Identifiers: Orphanet 140922, MedGen C1837342, MONDO:0012127, OMIM 608807.
Dilated cardiomyopathy 1G (CMD1G). Identifiers: Orphanet 154, MedGen C1858763, MONDO:0011400, OMIM 604145.

Allele frequency attached by ClinVar (database versions not stated): gnomAD exomes below 0.00001.
gnomAD v4.1: 1 of 1,613,784 alleles (0.000062%); highest among the groups gnomAD compares: Non-Finnish European, 0.000085%; no homozygotes.

Submission:

Labcorp Genetics (formerly Invitae), Labcorp
Classification: Uncertain significance for Dilated cardiomyopathy 1G; Autosomal recessive limb-girdle muscular dystrophy type 2J. Last evaluated: 2018-02-20. Review status: criteria provided, single submitter. Criteria: Invitae Variant Classification Sherloc (09022015). Collection method: clinical testing. Allele origin: germline.
Comment: This sequence change replaces methionine with threonine at codon 33998 of the TTN protein (p.Met33998Thr). This variant identified in the TTN gene is located in the M band of the resulting protein (PMID: 25589632). It is unclear how this variant impacts the function of this protein. Algorithms developed to predict the effect of missense changes on protein structure and function are unavailable for the TTN gene In summary, the available evidence is currently insufficient to determine the role of this variant in disease. Therefore, it has been classified as a Variant of Uncertain Significance. This variant has not been reported in the literature in individuals with TTN-related disease. This variant is not present in population databases (ExAC no frequency).

Literature cited by the submitters: PubMed 25589632.